The following is an entry in ClinVar:

ClinVar aggregate classification (germline): Uncertain significance (1 of 4 stars; one submission).

Conditions:
Wilson-Turner syndrome (WTS). Also called: INTELLECTUAL DEVELOPMENTAL DISORDER, X-LINKED, SYNDROMIC, WILSON-TURNER TYPE; MENTAL RETARDATION, X-LINKED, SYNDROMIC 6. Identifiers: Orphanet 3459, MedGen C1839736, MONDO:0010665, OMIM 309585.

Allele frequency attached by ClinVar (database versions not stated): gnomAD exomes 0.00001 and 0.00002; TOPMed 0.00002; ExAC 0.00003.
gnomAD v4.1: 7 of 1,210,961 alleles (0.00058%); highest among the groups gnomAD compares: East Asian, 0.003%; no homozygotes.

Submission:

Labcorp Genetics (formerly Invitae), Labcorp
Classification: Uncertain significance for Wilson-Turner syndrome. Last evaluated: 2021-08-19. Review status: criteria provided, single submitter. Criteria: Invitae Variant Classification Sherloc (09022015). Collection method: clinical testing. Allele origin: germline.
Comment: This sequence change replaces valine with isoleucine at codon 424 of the LAS1L protein (p.Val424Ile). The valine residue is weakly conserved and there is a small physicochemical difference between valine and isoleucine. This variant is present in population databases (rs761006702, ExAC 0.02%). In summary, the available evidence is currently insufficient to determine the role of this variant in disease. Therefore, it has been classified as a Variant of Uncertain Significance. Algorithms developed to predict the effect of missense changes on protein structure and function output the following: SIFT: "Tolerated"; PolyPhen-2: "Benign"; Align-GVGD: "Class C0". The isoleucine amino acid residue is found in multiple mammalian species, which suggests that this missense change does not adversely affect protein function. This missense change has been observed in individual(s) with clinical features of LAS1L-related conditions (Invitae).

NM_031206.7(LAS1L):c.1270G>A (p.Val424Ile)

Gene: LAS1L (LAS1 like ribosome biogenesis factor; minus strand). Cytogenetic location: Xq12.
Variant type: single nucleotide variant.
Coding change: c.1270G>A on transcript NM_031206.7 (MANE Select); coding-DNA position 1270, G replaced by A.
Protein change: p.Val424Ile; replaces valine 424 with isoleucine.
Molecular consequence: missense variant. On other transcripts: non-coding transcript variant (1).
Genome position (GRCh38, 1-based): chrX:65,524,086, C>T on the plus strand (G>A on the coding strand, the complement: LAS1L is on the minus strand). VCF-style: chrX-65524086-C-T. GRCh37 (hg19) VCF-style: chrX-64743966-C-T.
Other names: c.1219G>A, p.Val407Ile (NM_001170649.2, NM_001375331.1, NM_001375333.1 and 2 more transcripts); c.1093G>A, p.Val365Ile (NM_001170650.2); c.1270G>A, p.Val424Ile (NM_001375328.1, NM_001375329.1, NM_001375330.1 and 2 more transcripts); c.313G>A, p.Val105Ile (NM_001375332.1); short protein forms V365I, V407I, V105I, V424I.
Identifiers: ClinVar variation 1402133 (VCV001402133.6), dbSNP rs761006702, ClinGen allele CA10433947.